The following is an entry in ClinVar:

NM_020937.4(FANCM):c.4037C>T (p.Thr1346Ile)

Gene: FANCM (FA complementation group M; plus strand). Cytogenetic location: 14q21.2.
Variant type: single nucleotide variant.
Coding change: c.4037C>T on transcript NM_020937.4 (MANE Select); coding-DNA position 4037, C replaced by T.
Protein change: p.Thr1346Ile; replaces threonine 1346 with isoleucine.
Molecular consequence: missense variant.
Genome position (GRCh38, 1-based): chr14:45,176,791, C>T. VCF-style: chr14-45176791-C-T. GRCh37 (hg19) VCF-style: chr14-45645994-C-T.
Other names: c.3959C>T, p.Thr1320Ile (NM_001308133.2); short protein forms T1320I, T1346I.
Identifiers: ClinVar variation 3572289 (VCV003572289.1).

ClinVar aggregate classification (germline): Uncertain significance (1 of 4 stars; one submission).

Submission:

Quest Diagnostics Nichols Institute San Juan Capistrano
Classification: Uncertain significance. Last evaluated: 2023-11-10. Review status: criteria provided, single submitter. Criteria: Quest Diagnostics criteria. Collection method: clinical testing. Allele origin: unknown.
Comment: The FANCM c.4037C>T (p.Thr1346Ile) variant has not been reported in individuals with FANCM-related conditions in the published literature. It also has not been reported in large, multi-ethnic general populations (Genome Aggregation Database). Analysis of this variant using bioinformatics tools for the prediction of the effect of amino acid changes on protein structure and function yielded predictions that this variant is benign. Based on the available information, we are unable to determine the clinical significance of this variant.